The following is an entry in ClinVar:

ClinVar aggregate classification (germline): Uncertain significance (1 of 4 stars; one submission).

Conditions:
Bardet-Biedl syndrome (BBS). Identifiers: Orphanet 110, MedGen C0752166, MONDO:0015229.

Allele frequency attached by ClinVar (database versions not stated): ExAC 0.00001; gnomAD 0.00001; TOPMed 0.00002.
gnomAD v4.1: 3 of 1,613,938 alleles (0.00019%); highest among the groups gnomAD compares: Non-Finnish European, 0.00025%; no homozygotes.

Submission:

Labcorp Genetics (formerly Invitae), Labcorp
Classification: Uncertain significance for Bardet-Biedl syndrome. Last evaluated: 2023-11-13. Review status: criteria provided, single submitter. Criteria: Invitae Variant Classification Sherloc (09022015). Collection method: clinical testing. Allele origin: germline.
Comment: This sequence change replaces asparagine, which is neutral and polar, with serine, which is neutral and polar, at codon 450 of the BBS10 protein (p.Asn450Ser). This variant is present in population databases (rs780142293, gnomAD 0.002%). This variant has not been reported in the literature in individuals affected with BBS10-related conditions. ClinVar contains an entry for this variant (Variation ID: 1944509). Advanced modeling of protein sequence and biophysical properties (such as structural, functional, and spatial information, amino acid conservation, physicochemical variation, residue mobility, and thermodynamic stability) performed at Invitae indicates that this missense variant is not expected to disrupt BBS10 protein function with a negative predictive value of 80%. In summary, the available evidence is currently insufficient to determine the role of this variant in disease. Therefore, it has been classified as a Variant of Uncertain Significance.

NM_024685.4(BBS10):c.1349A>G (p.Asn450Ser)

Gene: BBS10 (Bardet-Biedl syndrome 10; minus strand). Cytogenetic location: 12q21.2.
Variant type: single nucleotide variant.
Coding change: c.1349A>G on transcript NM_024685.4 (MANE Select); coding-DNA position 1349, A replaced by G.
Protein change: p.Asn450Ser; replaces asparagine 450 with serine.
Molecular consequence: missense variant.
Genome position (GRCh38, 1-based): chr12:76,346,636, T>C on the plus strand (A>G on the coding strand, the complement: BBS10 is on the minus strand). VCF-style: chr12-76346636-T-C. GRCh37 (hg19) VCF-style: chr12-76740416-T-C.
Other names: short protein forms N450S.
Identifiers: ClinVar variation 1944509 (VCV001944509.4), dbSNP rs780142293, ClinGen allele CA6694187.
Genomic context (GRCh38, chr12:76,346,636, plus strand): 5'-TGATAAGGCCTTTGTATTGAGCCATTACCAGGATCTGGTGCTTGATAACTTTCTCCACTG[T>C]TCTTATAAATAAAAAGACTTGAAGTGCCATTTTGGTCATTGGTTTGTGTCATGTAATTTA-3'
Protein context (NP_078961.3, residues 440-460): NGTSSLFIYK[Asn450Ser]SGESYQAPDP